The following is an entry in ClinVar:

NM_020937.4(FANCM):c.2197C>G (p.Leu733Val)

Gene: FANCM (FA complementation group M; plus strand). Cytogenetic location: 14q21.2.
Variant type: single nucleotide variant.
Coding change: c.2197C>G on transcript NM_020937.4 (MANE Select); coding-DNA position 2197, C replaced by G.
Protein change: p.Leu733Val; replaces leucine 733 with valine.
Molecular consequence: missense variant.
Genome position (GRCh38, 1-based): chr14:45,173,091, C>G. VCF-style: chr14-45173091-C-G. GRCh37 (hg19) VCF-style: chr14-45642294-C-G.
Other names: c.2119C>G, p.Leu707Val (NM_001308133.2); short protein forms L707V, L733V.
Identifiers: ClinVar variation 1313201 (VCV001313201.2), dbSNP rs1888443431, ClinGen allele CA389596657.

ClinVar aggregate classification (germline): Uncertain significance (1 of 4 stars; one submission).

Allele frequency attached by ClinVar (database versions not stated): gnomAD exomes below 0.00001; TOPMed below 0.00001.
gnomAD v4.1: 2 of 1,611,640 alleles (0.00012%); highest among the groups gnomAD compares: East Asian, 0.0022%; no homozygotes.

Submission:

GeneDx
Classification: Uncertain significance. Last evaluated: 2020-09-17. Review status: criteria provided, single submitter. Criteria: GeneDx Variant Classification Process June 2021. Collection method: clinical testing. Allele origin: germline. Affected: yes.
Comment: Not observed in large population cohorts (Lek 2016); In silico analysis supports that this missense variant does not alter protein structure/function; Has not been previously published as pathogenic or benign to our knowledge